The following is an entry in ClinVar:

ClinVar aggregate classification (germline): Uncertain significance (1 of 4 stars; one submission).

Conditions:
Osteogenesis imperfecta type I (OI1). Also called: Lobstein's Disease; Lobstein disease; OI, TYPE I; OSTEOGENESIS IMPERFECTA TARDA; OSTEOGENESIS IMPERFECTA WITH BLUE SCLERAE; Osteogenesis imperfecta type 1. Identifiers: Orphanet 216796, Orphanet 666, MedGen C0023931, MONDO:0008146, OMIM 166200. Disease mechanism: loss of function.

Submission:

Labcorp Genetics (formerly Invitae), Labcorp
Classification: Uncertain significance for Osteogenesis imperfecta type I. Last evaluated: 2023-11-29. Review status: criteria provided, single submitter. Criteria: Invitae Variant Classification Sherloc (09022015). Collection method: clinical testing. Allele origin: germline.
Comment: This sequence change replaces glycine, which is neutral and non-polar, with cysteine, which is neutral and slightly polar, at codon 66 of the COL1A1 protein (p.Gly66Cys). This variant is not present in population databases (gnomAD no frequency). This variant has not been reported in the literature in individuals affected with COL1A1-related conditions. Advanced modeling of protein sequence and biophysical properties (such as structural, functional, and spatial information, amino acid conservation, physicochemical variation, residue mobility, and thermodynamic stability) performed at Invitae indicates that this missense variant is expected to disrupt COL1A1 protein function with a positive predictive value of 80%. In summary, the available evidence is currently insufficient to determine the role of this variant in disease. Therefore, it has been classified as a Variant of Uncertain Significance.

NM_000088.4(COL1A1):c.196G>T (p.Gly66Cys)

Gene: COL1A1 (collagen type I alpha 1 chain; minus strand). Cytogenetic location: 17q21.33.
Variant type: single nucleotide variant.
Coding change: c.196G>T on transcript NM_000088.4 (MANE Select); coding-DNA position 196, G replaced by T.
Protein change: p.Gly66Cys; replaces glycine 66 with cysteine.
Molecular consequence: missense variant.
Genome position (GRCh38, 1-based): chr17:50,199,855, C>A on the plus strand (G>T on the coding strand, the complement: COL1A1 is on the minus strand). VCF-style: chr17-50199855-C-A. GRCh37 (hg19) VCF-style: chr17-48277216-C-A.
Other names: short protein forms G66C.
Identifiers: ClinVar variation 2699738 (VCV002699738.3), dbSNP rs1240249424, ClinGen allele CA400228400.